The following is an entry in ClinVar:

ClinVar aggregate classification (germline): Uncertain significance (1 of 4 stars; one submission).

Conditions:
Symmetrical dyschromatosis of extremities (DSH). Also called: DYSCHROMATOSIS SYMMETRICA HEREDITARIA 1; RETICULATE ACROPIGMENTATION OF DOHI; SYMMETRIC DYSCHROMATOSIS OF THE EXTREMITIES; Dyschromatosis symmetrica hereditaria. Identifiers: Orphanet 41, MedGen C0406775, MONDO:0007483, OMIM 127400.
Aicardi-Goutieres syndrome 6 (AGS6). Identifiers: Orphanet 51, MedGen C3539013, MONDO:0014007, OMIM 615010.

Submission:

Labcorp Genetics (formerly Invitae), Labcorp
Classification: Uncertain significance for Aicardi-Goutieres syndrome 6; Symmetrical dyschromatosis of extremities. Last evaluated: 2025-08-25. Review status: criteria provided, single submitter. Criteria: Invitae Variant Classification Sherloc (09022015). Collection method: clinical testing. Allele origin: germline.
Comment: This sequence change replaces arginine, which is basic and polar, with serine, which is neutral and polar, at codon 1042 of the ADAR protein (p.Arg1042Ser). This variant is present in population databases (rs779004315, gnomAD 0.0009%). This variant has not been reported in the literature in individuals affected with ADAR-related conditions. Invitae Evidence Modeling of protein sequence and biophysical properties (such as structural, functional, and spatial information, amino acid conservation, physicochemical variation, residue mobility, and thermodynamic stability) has been performed for this missense variant. However, the output from this modeling did not meet the statistical confidence thresholds required to predict the impact of this variant on ADAR protein function. This variant disrupts the p.Arg1042 amino acid residue in ADAR. Other variant(s) that disrupt this residue have been determined to be pathogenic (PMID: 17569068). This suggests that this residue is clinically significant, and that variants that disrupt this residue are likely to be disease-causing. In summary, the available evidence is currently insufficient to determine the role of this variant in disease. Therefore, it has been classified as a Variant of Uncertain Significance.

Literature cited by the submitters: PubMed 17569068.

NM_001111.5(ADAR):c.3124C>A (p.Arg1042Ser)

Gene: ADAR (adenosine deaminase RNA specific; minus strand). Cytogenetic location: 1q21.3.
Variant type: single nucleotide variant.
Coding change: c.3124C>A on transcript NM_001111.5 (MANE Select); coding-DNA position 3124, C replaced by A.
Protein change: p.Arg1042Ser; replaces arginine 1042 with serine.
Molecular consequence: missense variant.
Genome position (GRCh38, 1-based): chr1:154,586,259, G>T on the plus strand (C>A on the coding strand, the complement: ADAR is on the minus strand). VCF-style: chr1-154586259-G-T. GRCh37 (hg19) VCF-style: chr1-154558735-G-T.
Other names: c.2239C>A, p.Arg747Ser (NM_001025107.3, NM_001193495.2, NM_001365046.1 and 2 more transcripts); c.3151C>A, p.Arg1051Ser (NM_001365045.1); c.2161C>A, p.Arg721Ser (NM_001365049.1); c.3046C>A, p.Arg1016Ser (NM_015840.4); c.2989C>A, p.Arg997Ser (NM_015841.4); short protein forms R1051S, R1016S, R1042S, R747S, R721S, R997S.
Identifiers: ClinVar variation 4793409 (VCV004793409.1).